The following is an entry in ClinVar:

ClinVar aggregate classification (germline): Uncertain significance. Review status: criteria provided, multiple submitters, no conflicts (2 of 4 stars). 2 submissions from 2 submitters: Uncertain significance (2). Last evaluated 2026-01-31.

Conditions:
Hereditary cancer-predisposing syndrome. Also called: Neoplastic Syndromes, Hereditary; Tumor predisposition; Hereditary neoplastic syndrome; Hereditary Cancer Syndrome. Identifiers: Orphanet 140162, MedGen C0027672, MeSH D009386, MONDO:0015356.

Submissions (2):

Labcorp Genetics (formerly Invitae), Labcorp
Classification: Uncertain significance. Last evaluated: 2026-01-31. Review status: criteria provided, single submitter. Criteria: Invitae Variant Classification Sherloc (09022015). Collection method: clinical testing. Allele origin: germline.
Comment: This sequence change replaces alanine, which is neutral and non-polar, with valine, which is neutral and non-polar, at codon 108 of the NTHL1 protein (p.Ala108Val). This variant is not present in population databases (gnomAD no frequency). This variant has not been reported in the literature in individuals affected with NTHL1-related conditions. ClinVar contains an entry for this variant (Variation ID: 1364899). An algorithm developed to predict the effect of missense changes on protein structure and function (PolyPhen-2) suggests that this variant is likely to be disruptive. In summary, the available evidence is currently insufficient to determine the role of this variant in disease. Therefore, it has been classified as a Variant of Uncertain Significance.

Ambry Genetics
Classification: Uncertain significance for Hereditary cancer-predisposing syndrome. Last evaluated: 2023-07-10. Review status: criteria provided, single submitter. Criteria: Ambry Variant Classification Scheme 2023. Collection method: clinical testing. Allele origin: germline.
Comment: The p.A108V variant (also known as c.323C>T), located in coding exon 2 of the NTHL1 gene, results from a C to T substitution at nucleotide position 323. The alanine at codon 108 is replaced by valine, an amino acid with similar properties. This amino acid position is conserved. In addition, this alteration is predicted to be deleterious by in silico analysis. Since supporting evidence is limited at this time, the clinical significance of this alteration remains unclear.

NM_002528.7(NTHL1):c.299C>T (p.Ala100Val)

Gene: NTHL1 (nth like DNA glycosylase 1; minus strand). Cytogenetic location: 16p13.3.
Variant type: single nucleotide variant.
Coding change: c.299C>T on transcript NM_002528.7 (MANE Select); coding-DNA position 299, C replaced by T.
Protein change: p.Ala100Val; replaces alanine 100 with valine.
Molecular consequence: missense variant. On other transcripts: intron variant (1).
Genome position (GRCh38, 1-based): chr16:2,046,183, G>A on the plus strand (C>T on the coding strand, the complement: NTHL1 is on the minus strand). VCF-style: chr16-2046183-G-A. GRCh37 (hg19) VCF-style: chr16-2096184-G-A.
Other names: c.299C>T, p.Ala100Val (NM_001318193.2); c.24+97C>T (NM_001318194.2); c.323C>T (NM_002528.5); short protein forms A100V.
Identifiers: ClinVar variation 1364899 (VCV001364899.7), dbSNP rs2084366900, ClinGen allele CA394295524.
Genomic context (GRCh38, chr16:2,046,183, plus strand): 5'-CCTACCTTTGGGGGGGCACTGGAGTCATAGCAGTGCTCAGTCCCCAGATGGTCCACAGGT[G>A]CATCCTTTTTGTTCCTCATGGCACGGATGTTGACCAGCTGTTGCTGCCAGTCCTGGGGCT-3'
Protein context (NP_002519.2, residues 90-110): NIRAMRNKKD[Ala100Val]PVDHLGTEHC